The following is an entry in ClinVar:

NM_000051.4(ATM):c.5595T>A (p.His1865Gln)

Gene: ATM (ATM serine/threonine kinase; plus strand). Cytogenetic location: 11q22.3.
Variant type: single nucleotide variant.
Coding change: c.5595T>A on transcript NM_000051.4 (MANE Select); coding-DNA position 5595, T replaced by A.
Protein change: p.His1865Gln; replaces histidine 1865 with glutamine.
Molecular consequence: missense variant.
Genome position (GRCh38, 1-based): chr11:108,304,773, T>A. VCF-style: chr11-108304773-T-A. GRCh37 (hg19) VCF-style: chr11-108175500-T-A.
Other names: c.5595T>A, p.His1865Gln (NM_001351834.2); short protein forms H1865Q.
Identifiers: ClinVar variation 485218 (VCV000485218.13), dbSNP rs772261410, ClinGen allele CA382546202.

ClinVar aggregate classification (germline): Uncertain significance. Review status: criteria provided, multiple submitters, no conflicts (2 of 4 stars). 2 submissions from 2 submitters: Uncertain significance (2). Last evaluated 2021-07-21.

Conditions:
Hereditary cancer-predisposing syndrome. Also called: Hereditary neoplastic syndrome; Neoplastic Syndromes, Hereditary; Tumor predisposition; Hereditary Cancer Syndrome. Identifiers: Orphanet 140162, MedGen C0027672, MeSH D009386, MONDO:0015356.
Ataxia-telangiectasia syndrome (AT). Also called: LOUIS-BAR SYNDROME; Cerebello-oculocutaneous telangiectasia; Immunodeficiency with ataxia telangiectasia; AT, COMPLEMENTATION GROUP C; Ataxia-telangiectasia, complementation group D; ATAXIA-TELANGIECTASIA, COMPLEMENTATION GROUP A. Identifiers: Orphanet 100, MedGen C0004135, MONDO:0008840, OMIM 208900.

Submissions (2):

Ambry Genetics
Classification: Uncertain significance for Hereditary cancer-predisposing syndrome. Last evaluated: 2021-07-21. Review status: criteria provided, single submitter. Criteria: Ambry Variant Classification Scheme 2023. Collection method: clinical testing. Allele origin: germline.
Comment: The p.H1865Q variant (also known as c.5595T>A), located in coding exon 36 of the ATM gene, results from a T to A substitution at nucleotide position 5595. The histidine at codon 1865 is replaced by glutamine, an amino acid with highly similar properties. This amino acid position is well conserved in available vertebrate species. In addition, this alteration is predicted to be tolerated by in silico analysis. Since supporting evidence is limited at this time, the clinical significance of this alteration remains unclear.

Labcorp Genetics (formerly Invitae), Labcorp
Classification: Uncertain significance for Ataxia-telangiectasia syndrome. Last evaluated: 2020-11-23. Review status: criteria provided, single submitter. Criteria: Invitae Variant Classification Sherloc (09022015). Collection method: clinical testing. Allele origin: germline.
Comment: This sequence change replaces histidine with glutamine at codon 1865 of the ATM protein (p.His1865Gln). The histidine residue is moderately conserved and there is a small physicochemical difference between histidine and glutamine. This variant is not present in population databases (ExAC no frequency). In summary, the available evidence is currently insufficient to determine the role of this variant in disease. Therefore, it has been classified as a Variant of Uncertain Significance. Algorithms developed to predict the effect of sequence changes on RNA splicing suggest that this variant may create or strengthen a splice site, but this prediction has not been confirmed by published transcriptional studies. Advanced modeling of protein sequence and biophysical properties (such as structural, functional, and spatial information, amino acid conservation, physicochemical variation, residue mobility, and thermodynamic stability) performed at Invitae indicates that this missense variant is not expected to disrupt ATM protein function. This variant has not been reported in the literature in individuals with ATM-related conditions. ClinVar contains an entry for this variant (Variation ID: 485218).